The following is an entry in ClinVar:

NM_000027.4(AGA):c.504G>A (p.Trp168Ter)

Gene: AGA (aspartylglucosaminidase; minus strand). Cytogenetic location: 4q34.3.
Variant type: single nucleotide variant.
Coding change: c.504G>A on transcript NM_000027.4 (MANE Select); coding-DNA position 504, G replaced by A.
Protein change: p.Trp168Ter; replaces tryptophan 168 with a stop codon.
Molecular consequence: nonsense. On other transcripts: non-coding transcript variant (1).
Genome position (GRCh38, 1-based): chr4:177,438,748, C>T on the plus strand (G>A on the coding strand, the complement: AGA is on the minus strand). VCF-style: chr4-177438748-C-T. GRCh37 (hg19) VCF-style: chr4-178359902-C-T.
Other names: c.504G>A, p.Trp168Ter (NM_001171988.2); short protein forms W168*.
Identifiers: ClinVar variation 4817922 (VCV004817922.1).

ClinVar aggregate classification (germline): Pathogenic (1 of 4 stars; one submission).

Conditions:
Aspartylglucosaminuria (AGU). Also called: AGA DEFICIENCY; GLYCOASPARAGINASE; GLYCOSYLASPARAGINASE DEFICIENCY; Aspartylglucos-aminuria; Aspartylglucos-amidase (AGA) deficiency. Identifiers: Orphanet 93, MedGen C0268225, MONDO:0008830, OMIM 208400, HP:0012068.

Submission:

Natera, Inc.
Classification: Pathogenic for Aspartylglucosaminuria. Last evaluated: 2025-08-18. Review status: criteria provided, single submitter. Criteria: Natera Variant Classification Schema (03/2026). Collection method: clinical testing. Allele origin: germline.
Comment: The c.504G>A variant in AGA is a nonsense variant predicted to introduce a stop codon at amino acid 168. This variant is expected to result in nonsense mediated decay, truncation, or a dysfunctional protein product. This variant is rare in the general population with a frequency below the threshold expected for the associated phenotype(s). This variant has been observed in one or more individuals affected with the associated recessive disease, as either homozygous or compound heterozygous with a second variant (PMID: 36101820). Given the available evidence, this variant is classified as Pathogenic.

Literature cited by the submitters: PubMed 36101820.